The following is an entry in ClinVar:

NM_080680.3(COL11A2):c.349G>C (p.Gly117Arg)

Gene: COL11A2 (collagen type XI alpha 2 chain; minus strand). Cytogenetic location: 6p21.32.
Variant type: single nucleotide variant.
Coding change: c.349G>C on transcript NM_080680.3 (MANE Select); coding-DNA position 349, G replaced by C.
Protein change: p.Gly117Arg; replaces glycine 117 with arginine.
Molecular consequence: missense variant.
Genome position (GRCh38, 1-based): chr6:33,189,072, C>G on the plus strand (G>C on the coding strand, the complement: COL11A2 is on the minus strand). VCF-style: chr6-33189072-C-G. GRCh37 (hg19) VCF-style: chr6-33156849-C-G.
Other names: c.349G>C, p.Gly117Arg (NM_001163771.2, NM_080679.3, NM_080681.3); short protein forms G117R.
Identifiers: ClinVar variation 2238099 (VCV002238099.6), dbSNP rs757173017, ClinGen allele CA3751689.
Genomic context (GRCh38, chr6:33,189,072, plus strand): 5'-GCTGAGAGGGAGGTTGAGGCCGCCCAGTCTGGTCTTCATACAGGAAGCGGACAGGTCGGC[C>G]CAGCTCCAGGCCCAGCTGTCGGACACCCTGGGCACTGTAGAGAGTCAGGAGGGGAGCTTG-3'
Protein context (NP_542411.2, residues 107-127): QGVRQLGLEL[Gly117Arg]RPVRFLYEDQ

ClinVar aggregate classification (germline): Uncertain significance. Review status: criteria provided, multiple submitters, no conflicts (2 of 4 stars). 3 submissions from 3 submitters: Uncertain significance (3). Last evaluated 2025-12-01.

Conditions:
Inborn genetic diseases. Identifiers: MedGen C0950123, MeSH D030342.

Allele frequency attached by ClinVar (database versions not stated): gnomAD exomes below 0.00001; TOPMed below 0.00001; ExAC 0.00001.
gnomAD v4.1: 5 of 1,614,146 alleles (0.00031%); highest among the groups gnomAD compares: Admixed American, 0.0017%; no homozygotes.

Submissions (3):

Labcorp Genetics (formerly Invitae), Labcorp
Classification: Uncertain significance. Last evaluated: 2025-12-01. Review status: criteria provided, single submitter. Criteria: Invitae Variant Classification Sherloc (09022015). Collection method: clinical testing. Allele origin: germline.
Comment: This sequence change replaces glycine, which is neutral and non-polar, with arginine, which is basic and polar, at codon 117 of the COL11A2 protein (p.Gly117Arg). This variant is present in population databases (rs757173017, gnomAD 0.007%). This variant has not been reported in the literature in individuals affected with COL11A2-related conditions. ClinVar contains an entry for this variant (Variation ID: 2238099). An algorithm developed to predict the effect of missense changes on protein structure and function (PolyPhen-2) suggests that this variant is likely to be disruptive. In summary, the available evidence is currently insufficient to determine the role of this variant in disease. Therefore, it has been classified as a Variant of Uncertain Significance.

Blueprint Genetics
Classification: Uncertain significance. Last evaluated: 2023-01-13. Review status: criteria provided, single submitter. Criteria: ACMG Guidelines, 2015. Collection method: clinical testing. Allele origin: germline.

Ambry Genetics
Classification: Uncertain significance for Inborn genetic diseases. Last evaluated: 2021-07-16. Review status: criteria provided, single submitter. Criteria: Ambry Variant Classification Scheme 2023. Collection method: clinical testing. Allele origin: germline.